The following is an entry in ClinVar:

ClinVar aggregate classification (germline): Uncertain significance. Review status: criteria provided, multiple submitters, no conflicts (2 of 4 stars). 2 submissions from 2 submitters: Uncertain significance (2). Last evaluated 2022-12-01.

Conditions:
Hereditary cancer-predisposing syndrome. Also called: Hereditary neoplastic syndrome; Neoplastic Syndromes, Hereditary; Tumor predisposition; Hereditary Cancer Syndrome. Identifiers: Orphanet 140162, MedGen C0027672, MeSH D009386, MONDO:0015356.
Tuberous sclerosis 2 (TSC2). Identifiers: Orphanet 805, MedGen C1860707, MONDO:0013199, OMIM 613254.

Submissions (2):

Ambry Genetics
Classification: Uncertain significance for Hereditary cancer-predisposing syndrome. Last evaluated: 2022-12-01. Review status: criteria provided, single submitter. Criteria: Ambry Variant Classification Scheme 2023. Collection method: clinical testing. Allele origin: germline.
Comment: The p.F904L variant (also known as c.2712C>A), located in coding exon 23 of the TSC2 gene, results from a C to A substitution at nucleotide position 2712. The phenylalanine at codon 904 is replaced by leucine, an amino acid with highly similar properties. This amino acid position is well conserved in available vertebrate species. In addition, the in silico prediction for this alteration is inconclusive. Since supporting evidence is limited at this time, the clinical significance of this alteration remains unclear.

Labcorp Genetics (formerly Invitae), Labcorp
Classification: Uncertain significance for Tuberous sclerosis 2. Last evaluated: 2020-03-18. Review status: criteria provided, single submitter. Criteria: Invitae Variant Classification Sherloc (09022015). Collection method: clinical testing. Allele origin: germline.
Comment: In summary, the available evidence is currently insufficient to determine the role of this variant in disease. Therefore, it has been classified as a Variant of Uncertain Significance. Algorithms developed to predict the effect of missense changes on protein structure and function (SIFT, PolyPhen-2, Align-GVGD) all suggest that this variant is likely to be tolerated, but these predictions have not been confirmed by published functional studies and their clinical significance is uncertain. This variant has not been reported in the literature in individuals with TSC2-related conditions. This variant is not present in population databases (ExAC no frequency). This sequence change replaces phenylalanine with leucine at codon 904 of the TSC2 protein (p.Phe904Leu). The phenylalanine residue is moderately conserved and there is a small physicochemical difference between phenylalanine and leucine.

NM_000548.5(TSC2):c.2712C>A (p.Phe904Leu)

Gene: TSC2 (TSC complex subunit 2; plus strand). Cytogenetic location: 16p13.3.
Variant type: single nucleotide variant.
Coding change: c.2712C>A on transcript NM_000548.5 (MANE Select); coding-DNA position 2712, C replaced by A.
Protein change: p.Phe904Leu; replaces phenylalanine 904 with leucine.
Molecular consequence: missense variant.
Genome position (GRCh38, 1-based): chr16:2,076,140, C>A. VCF-style: chr16-2076140-C-A. GRCh37 (hg19) VCF-style: chr16-2126141-C-A.
Other names: c.2745C>A, p.Phe915Leu (NM_001318832.2); c.2712C>A, p.Phe904Leu (NM_001363528.2, NM_001370404.1, NM_001370405.1 and 3 more transcripts); c.2601C>A, p.Phe867Leu (NM_001318827.2); c.2565C>A, p.Phe855Leu (NM_001318829.2); c.2112C>A, p.Phe704Leu (NM_001318831.2); c.2712C>A (NM_000548.3); short protein forms F704L, F855L, F867L, F904L, F915L.
Identifiers: ClinVar variation 1007392 (VCV001007392.10), dbSNP rs137920189, ClinGen allele CA394279487.